The following is an entry in ClinVar:

ClinVar aggregate classification (germline): Uncertain significance (1 of 4 stars; one submission).

Submission:

Women's Health and Genetics/Laboratory Corporation of America, LabCorp
Classification: Uncertain significance. Last evaluated: 2025-06-16. Review status: criteria provided, single submitter. Criteria: LabCorp Variant Classification Summary - May 2015. Collection method: clinical testing. Allele origin: germline.
Comment: Variant summary: PLCG2 c.2802_2813delinsAT (p.Val935TyrfsX10) results in a premature termination codon, predicted to cause a truncation of the encoded protein or absence of the protein due to nonsense mediated decay, however current evidence is not sufficient to establish loss of function (LOF) as a mechanism for disease. The variant was absent in 249390 control chromosomes (gnomAD). The available data on variant occurrences in the general population are insufficient to allow any conclusion about variant significance. To our knowledge, no occurrence of c.2802_2813delinsAT in individuals affected with Autoinflammation-PLCG2-associated antibody deficiency-immune dysregulation and no experimental evidence demonstrating its impact on protein function have been reported. No submitters have cited clinical-significance assessments for this variant to ClinVar. Based on the evidence outlined above, the variant was classified as uncertain significance.

NM_002661.5(PLCG2):c.2802_2813delinsAT (p.Val935fs)

Gene: PLCG2 (phospholipase C gamma 2; plus strand). Cytogenetic location: 16q23.3.
Variant type: Indel.
Coding change: c.2802_2813delinsAT on transcript NM_002661.5 (MANE Select); coding-DNA positions 2802 to 2813, TGTCTACTGCAA replaced by AT.
Protein change: p.Val935fs; shifts the reading frame from valine 935.
Molecular consequence: frameshift variant.
Genome position (GRCh38, 1-based): chr16:81,934,491-81,934,502, TGTCTACTGCAA replaced by AT. VCF-style: chr16-81934491-TGTCTACTGCAA-AT. GRCh37 (hg19) VCF-style: chr16-81968096-TGTCTACTGCAA-AT.
Other names: c.2802_2813delinsAT, p.Val935fs (NM_001425749.1, NM_001425750.1, NM_001425751.1); short protein forms V935fs.
Identifiers: ClinVar variation 3907082 (VCV003907082.1).